The following is an entry in ClinVar:

NM_000342.4(SLC4A1):c.1239C>T (p.Tyr413=)

Gene: SLC4A1 (solute carrier family 4 member 1 (Diego blood group); minus strand). Cytogenetic location: 17q21.31.
Variant type: single nucleotide variant.
Coding change: c.1239C>T on transcript NM_000342.4 (MANE Select); coding-DNA position 1239, C replaced by T.
Protein change: p.Tyr413=; no amino-acid change (tyrosine 413 retained).
Molecular consequence: synonymous variant.
Genome position (GRCh38, 1-based): chr17:44,258,029, G>A on the plus strand (C>T on the coding strand, the complement: SLC4A1 is on the minus strand). VCF-style: chr17-44258029-G-A. GRCh37 (hg19) VCF-style: chr17-42335397-G-A.
Other names: p.Tyr413=.
Identifiers: ClinVar variation 730916 (VCV000730916.26), dbSNP rs5014, ClinGen allele CA8600343.

ClinVar aggregate classification (germline): Benign. Review status: criteria provided, multiple submitters, no conflicts (2 of 4 stars). 7 submissions from 5 submitters: Benign (7). Last evaluated 2026-02-01.

Conditions:
Autosomal dominant distal renal tubular acidosis (DRTA1). Also called: Renal Tubular Acidosis, Type I; RENAL TUBULAR ACIDOSIS, DISTAL, 1; RTA, CLASSIC TYPE; RTA, DISTAL TYPE, AUTOSOMAL DOMINANT; RTA, GRADIENT TYPE. Identifiers: Orphanet 93608, MedGen CN280572, MONDO:0008368, OMIM 179800.
Hemolytic anemia. Identifiers: MedGen C0002878, MONDO:0003664, HP:0001878.
Hereditary spherocytosis type 4. Also called: SLC4A1-Related Spherocytosis. Identifiers: Orphanet 822, MedGen C2675212, MONDO:0012981, OMIM 612653.

Allele frequency attached by ClinVar (database versions not stated): gnomAD exomes 0.00083 and 0.00226; ExAC 0.00277; 1000 Genomes Project 0.00719; 1000 Genomes Project 30x 0.00765; gnomAD 0.00811 and 0.00887; TOPMed 0.00897; ESP Exome Variant Server 0.00984.
gnomAD v4.1: 2,506 of 1,614,132 alleles (0.16%); highest among the groups gnomAD compares: African/African-American, 3%; 47 homozygotes.

Submissions (7):

Labcorp Genetics (formerly Invitae), Labcorp
Classification: Benign. Last evaluated: 2026-02-01. Review status: criteria provided, single submitter. Criteria: Invitae Variant Classification Sherloc (09022015). Collection method: clinical testing. Allele origin: germline.

ARUP Laboratories, Molecular Genetics and Genomics, ARUP Laboratories
Classification: Benign. Last evaluated: 2025-06-06. Review status: criteria provided, single submitter. Criteria: ARUP Molecular Germline Variant Investigation Process 2024. Collection method: clinical testing. Allele origin: germline.

Mayo Clinic Laboratories, Mayo Clinic
Classification: Benign. Last evaluated: 2025-02-20. Review status: criteria provided, single submitter. Criteria: ACMG Guidelines, 2015. Collection method: clinical testing. Allele origin: germline. Observed: 31 variant alleles.
Comment: BS1, BS2, BP4, BP7

Illumina Laboratory Services, Illumina
Classification: Benign for Hereditary spherocytosis type 4. Last evaluated: 2018-01-13. Review status: criteria provided, single submitter. Criteria: ICSL Variant Classification Criteria 13 December 2019. Collection method: clinical testing. Allele origin: germline.
Comment: This variant was observed in the ICSL laboratory as part of a predisposition screen in an ostensibly healthy population. It had not been previously curated by ICSL or reported in the Human Gene Mutation Database (HGMD: prior to June 1st, 2018), and was therefore a candidate for classification through an automated scoring system. Utilizing variant allele frequency, disease prevalence and penetrance estimates, and inheritance mode, an automated score was calculated to assess if this variant is too frequent to cause the disease. Based on the score and internal cut-off values, a variant classified as benign is not then subjected to further curation. The score for this variant resulted in a classification of benign for this disease.

Illumina Laboratory Services, Illumina
Classification: Benign for Hemolytic anemia. Last evaluated: 2018-01-13. Review status: criteria provided, single submitter. Criteria: ICSL Variant Classification Criteria 13 December 2019. Collection method: clinical testing. Allele origin: germline.
Comment: the same text as in the submission from Illumina Laboratory Services, Illumina above.

Illumina Laboratory Services, Illumina
Classification: Benign for Autosomal dominant distal renal tubular acidosis. Last evaluated: 2018-01-13. Review status: criteria provided, single submitter. Criteria: ICSL Variant Classification Criteria 13 December 2019. Collection method: clinical testing. Allele origin: germline.
Comment: the same text as in the submission from Illumina Laboratory Services, Illumina above.

Breakthrough Genomics
Classification: Benign. Review status: criteria provided, single submitter. Criteria: ACMG Guidelines, 2015. Collection method: not provided. Allele origin: germline. Inheritance: Autosomal recessive inheritance. Affected: yes.